The following is an entry in ClinVar:

ClinVar aggregate classification (germline): Uncertain significance (1 of 4 stars; one submission).

gnomAD v4.1: 1 of 1,333,866 alleles (0.000075%); highest among the groups gnomAD compares: South Asian, 0.0021%; no homozygotes.

Submission:

Labcorp Genetics (formerly Invitae), Labcorp
Classification: Uncertain significance. Last evaluated: 2023-11-24. Review status: criteria provided, single submitter. Criteria: Invitae Variant Classification Sherloc (09022015). Collection method: clinical testing. Allele origin: germline.
Comment: This sequence change affects codon 2 of the FZD2 mRNA. It is a 'silent' change, meaning that it does not change the encoded amino acid sequence of the FZD2 protein. This variant is not present in population databases (gnomAD no frequency). This variant has not been reported in the literature in individuals affected with FZD2-related conditions. In summary, the available evidence is currently insufficient to determine the role of this variant in disease. Therefore, it has been classified as a Variant of Uncertain Significance.

NM_001466.4(FZD2):c.4C>A (p.Arg2=)

Gene: FZD2 (frizzled class receptor 2; plus strand). Cytogenetic location: 17q21.31.
Variant type: single nucleotide variant.
Coding change: c.4C>A on transcript NM_001466.4 (MANE Select); coding-DNA position 4, C replaced by A.
Protein change: p.Arg2=; no amino-acid change (arginine 2 retained).
Molecular consequence: synonymous variant.
Genome position (GRCh38, 1-based): chr17:44,557,692, C>A. VCF-style: chr17-44557692-C-A. GRCh37 (hg19) VCF-style: chr17-42635060-C-A.
Identifiers: ClinVar variation 2869148 (VCV002869148.3), dbSNP rs1970842168, ClinGen allele CA500626914.